The following is an entry in ClinVar:

ClinVar aggregate classification (germline): Likely pathogenic (1 of 4 stars; one submission).

Conditions:
Combined immunodeficiency due to CD3gamma deficiency. Also called: CD3-GAMMA DEFICIENCY; SCID-LIKE IMMUNODEFICIENCY, T CELL-PARTIAL, B CELL-POSITIVE, NK CELL-POSITIVE; Immunodeficiency 17; Immunodeficiency 17, CD3 gamma deficient. Identifiers: Orphanet 169082, MedGen C3810107, MONDO:0014276, OMIM 615607.

Submission:

Labcorp Genetics (formerly Invitae), Labcorp
Classification: Likely pathogenic for Combined immunodeficiency due to CD3gamma deficiency. Last evaluated: 2025-03-26. Review status: criteria provided, single submitter. Criteria: Invitae Variant Classification Sherloc (09022015). Collection method: clinical testing. Allele origin: germline.
Comment: This sequence change affects the initiator methionine of the CD3G mRNA. The next in-frame methionine is located at codon 61. This variant is not present in population databases (gnomAD no frequency). Disruption of the initiator codon has been observed in individual(s) with severe combined immunodeficiency (PMID: 1635567, 29653965). In at least one individual the data is consistent with being in trans (on the opposite chromosome) from a pathogenic variant. It has also been observed to segregate with disease in related individuals. In summary, the currently available evidence indicates that the variant is pathogenic, but additional data are needed to prove that conclusively. Therefore, this variant has been classified as Likely Pathogenic.

Literature cited by the submitters: PubMed 1635567; PubMed 29653965.

NM_000073.3(CD3G):c.2T>C (p.Met1Thr)

Gene: CD3G (CD3 gamma subunit of T-cell receptor complex; plus strand). Cytogenetic location: 11q23.3.
Variant type: single nucleotide variant.
Coding change: c.2T>C on transcript NM_000073.3 (MANE Select); coding-DNA position 2, T replaced by C.
Protein change: p.Met1Thr; changes the start codon (methionine 1).
Molecular consequence: missense variant, initiator codon variant.
Genome position (GRCh38, 1-based): chr11:118,344,425, T>C. VCF-style: chr11-118344425-T-C. GRCh37 (hg19) VCF-style: chr11-118215140-T-C.
Other names: c.2T>C, p.Met1Thr (NM_001440319.1); short protein forms M1T.
Identifiers: ClinVar variation 4712950 (VCV004712950.1).